The following is an entry in ClinVar:

ClinVar aggregate classification (germline): Uncertain significance (1 of 4 stars; one submission).

Allele frequency attached by ClinVar (database versions not stated): gnomAD exomes below 0.00001; gnomAD 0.00001; TOPMed 0.00002.
gnomAD v4.1: 7 of 1,613,846 alleles (0.00043%); highest among the groups gnomAD compares: Middle Eastern, 0.016%; no homozygotes.

Submission:

Labcorp Genetics (formerly Invitae), Labcorp
Classification: Uncertain significance. Last evaluated: 2022-12-05. Review status: criteria provided, single submitter. Criteria: Invitae Variant Classification Sherloc (09022015). Collection method: clinical testing. Allele origin: germline.
Comment: This sequence change replaces leucine, which is neutral and non-polar, with phenylalanine, which is neutral and non-polar, at codon 419 of the XPR1 protein (p.Leu419Phe). Advanced modeling of protein sequence and biophysical properties (such as structural, functional, and spatial information, amino acid conservation, physicochemical variation, residue mobility, and thermodynamic stability) performed at Invitae indicates that this missense variant is not expected to disrupt XPR1 protein function. In summary, the available evidence is currently insufficient to determine the role of this variant in disease. Therefore, it has been classified as a Variant of Uncertain Significance. This variant is not present in population databases (gnomAD no frequency). This variant has not been reported in the literature in individuals affected with XPR1-related conditions.

NM_004736.4(XPR1):c.1257G>C (p.Leu419Phe)

Gene: XPR1 (xenotropic and polytropic retrovirus receptor 1; plus strand). Cytogenetic location: 1q25.3.
Variant type: single nucleotide variant.
Coding change: c.1257G>C on transcript NM_004736.4 (MANE Select); coding-DNA position 1257, G replaced by C.
Protein change: p.Leu419Phe; replaces leucine 419 with phenylalanine.
Molecular consequence: missense variant.
Genome position (GRCh38, 1-based): chr1:180,834,996, G>C. VCF-style: chr1-180834996-G-C. GRCh37 (hg19) VCF-style: chr1-180804132-G-C.
Other names: c.1257G>C, p.Leu419Phe (NM_001135669.2, NM_001328662.2); short protein forms L419F.
Identifiers: ClinVar variation 2711637 (VCV002711637.3), dbSNP rs867121202, ClinGen allele CA34134407.